The following is an entry in ClinVar:

ClinVar aggregate classification (germline): Uncertain significance. Review status: criteria provided, multiple submitters, no conflicts (2 of 4 stars). 2 submissions from 2 submitters: Uncertain significance (2). Last evaluated 2019-08-01.

Conditions:
Catecholaminergic polymorphic ventricular tachycardia 1. Also called: VENTRICULAR TACHYCARDIA, STRESS-INDUCED POLYMORPHIC 1; RYR2-Related Catecholaminergic Polymorphic Ventricular Tachycardia; VENTRICULAR TACHYCARDIA, CATECHOLAMINERGIC POLYMORPHIC, 1, WITH OR WITHOUT ATRIAL DYSFUNCTION AND/OR DILATED CARDIOMYOPATHY. Identifiers: Orphanet 3286, MedGen C1631597, MONDO:0011484, OMIM 604772.

Submissions (2):

Blueprint Genetics
Classification: Uncertain significance. Last evaluated: 2019-08-01. Review status: criteria provided, single submitter. Criteria: ACMG Guidelines, 2015. Collection method: clinical testing. Allele origin: germline.

Labcorp Genetics (formerly Invitae), Labcorp
Classification: Uncertain significance for Catecholaminergic polymorphic ventricular tachycardia 1. Last evaluated: 2017-08-18. Review status: criteria provided, single submitter. Criteria: Invitae Variant Classification Sherloc (09022015). Collection method: clinical testing. Allele origin: germline.
Comment: This variant occurs within one of the three regions of the RYR2 gene (N-terminal domain, central domain, or channel region) where other pathogenic variants have been reported to cluster (PMID: 19926015). In summary, the available evidence is currently insufficient to determine the role of this variant in disease. Therefore, it has been classified as a Variant of Uncertain Significance. Algorithms developed to predict the effect of missense changes on protein structure and function do not agree on the potential impact of this missense change (SIFT: "Deleterious"; PolyPhen-2: "Probably Damaging"; Align-GVGD: "Class C0"). This sequence change replaces threonine with isoleucine at codon 4755 of the RYR2 protein (p.Thr4755Ile). The threonine residue is highly conserved and there is a moderate physicochemical difference between threonine and isoleucine. This variant is not present in population databases (ExAC no frequency). This variant has not been reported in the literature in individuals with RYR2-related disease.

Literature cited by the submitters: PubMed 19926015 (cited by Labcorp Genetics (formerly Invitae), Labcorp).

NM_001035.3(RYR2):c.14264C>T (p.Thr4755Ile)

Gene: RYR2 (ryanodine receptor 2; plus strand). Cytogenetic location: 1q43.
Variant type: single nucleotide variant.
Coding change: c.14264C>T on transcript NM_001035.3 (MANE Select); coding-DNA position 14264, C replaced by T.
Protein change: p.Thr4755Ile; replaces threonine 4755 with isoleucine.
Molecular consequence: missense variant.
Genome position (GRCh38, 1-based): chr1:237,806,249, C>T. VCF-style: chr1-237806249-C-T. GRCh37 (hg19) VCF-style: chr1-237969549-C-T.
Other names: c.14264C>T, p.Thr4755Ile (LRG_402t1); short protein forms T4755I.
Identifiers: ClinVar variation 532375 (VCV000532375.11), dbSNP rs1553334770, ClinGen allele CA345423244.